The following is an entry in ClinVar:

NM_002471.4(MYH6):c.4378C>A (p.Gln1460Lys)

Gene: MYH6 (myosin heavy chain 6; minus strand). Cytogenetic location: 14q11.2.
Variant type: single nucleotide variant.
Coding change: c.4378C>A on transcript NM_002471.4 (MANE Select); coding-DNA position 4378, C replaced by A.
Protein change: p.Gln1460Lys; replaces glutamine 1460 with lysine.
Molecular consequence: missense variant.
Genome position (GRCh38, 1-based): chr14:23,387,905, G>T on the plus strand (C>A on the coding strand, the complement: MYH6 is on the minus strand). VCF-style: chr14-23387905-G-T. GRCh37 (hg19) VCF-style: chr14-23857114-G-T.
Other names: short protein forms Q1460K.
Identifiers: ClinVar variation 4114853 (VCV004114853.1).

ClinVar aggregate classification (germline): Uncertain significance (1 of 4 stars; one submission).

Conditions:
Cardiovascular phenotype. Identifiers: MedGen CN230736.

Submission:

Ambry Genetics
Classification: Uncertain significance for Cardiovascular phenotype. Last evaluated: 2025-09-04. Review status: criteria provided, single submitter. Criteria: Ambry Variant Classification Scheme 2023. Collection method: clinical testing. Allele origin: germline.
Comment: The p.Q1460K variant (also known as c.4378C>A), located in coding exon 29 of the MYH6 gene, results from a C to A substitution at nucleotide position 4378. The glutamine at codon 1460 is replaced by lysine, an amino acid with similar properties. This amino acid position is conserved. In addition, the in silico prediction for this alteration is inconclusive. Based on the available evidence, the clinical significance of this variant remains unclear.